The following is an entry in ClinVar:

NM_177438.3(DICER1):c.412T>C (p.Trp138Arg)

Gene: DICER1 (dicer 1, ribonuclease III; minus strand). Cytogenetic location: 14q32.13.
Variant type: single nucleotide variant.
Coding change: c.412T>C on transcript NM_177438.3 (MANE Select); coding-DNA position 412, T replaced by C.
Protein change: p.Trp138Arg; replaces tryptophan 138 with arginine.
Molecular consequence: missense variant. On other transcripts: intron variant (6), 5 prime UTR variant (2), non-coding transcript variant (5).
Genome position (GRCh38, 1-based): chr14:95,131,535, A>G on the plus strand (T>C on the coding strand, the complement: DICER1 is on the minus strand). VCF-style: chr14-95131535-A-G. GRCh37 (hg19) VCF-style: chr14-95597872-A-G.
Other names: c.33+980T>C (NM_001395696.1, NM_001395698.1, NM_001395690.1 and 3 more transcripts); c.412T>C, p.Trp138Arg (NM_001195573.1, NM_001271282.3, NM_001291628.2 and 14 more transcripts); c.130T>C, p.Trp44Arg (NM_001395686.1); c.-47T>C (NM_001395691.1); c.-1157T>C (NM_001395697.1); short protein forms W138R, W44R.
Identifiers: ClinVar variation 3720211 (VCV003720211.2).

ClinVar aggregate classification (germline): Uncertain significance (1 of 4 stars; one submission).

Conditions:
DICER1-related tumor predisposition. Also called: DICER1 syndrome; DICER1-related pleuropulmonary blastoma cancer predisposition syndrome. Identifiers: Orphanet 284343, MedGen C3839822, MONDO:0100216.

Submission:

Labcorp Genetics (formerly Invitae), Labcorp
Classification: Uncertain significance for DICER1-related tumor predisposition. Last evaluated: 2024-10-02. Review status: criteria provided, single submitter. Criteria: Invitae Variant Classification Sherloc (09022015). Collection method: clinical testing. Allele origin: germline.
Comment: This sequence change replaces tryptophan, which is neutral and slightly polar, with arginine, which is basic and polar, at codon 138 of the DICER1 protein (p.Trp138Arg). This variant is not present in population databases (gnomAD no frequency). This variant has not been reported in the literature in individuals affected with DICER1-related conditions. Invitae Evidence Modeling of protein sequence and biophysical properties (such as structural, functional, and spatial information, amino acid conservation, physicochemical variation, residue mobility, and thermodynamic stability) indicates that this missense variant is expected to disrupt DICER1 protein function with a positive predictive value of 80%. In summary, the available evidence is currently insufficient to determine the role of this variant in disease. Therefore, it has been classified as a Variant of Uncertain Significance.